The following is an entry in ClinVar:

ClinVar aggregate classification (germline): Uncertain significance. Review status: criteria provided, multiple submitters, no conflicts (2 of 4 stars). 6 submissions from 6 submitters: Uncertain significance (6). Last evaluated 2023-11-21.

Conditions:
Autosomal recessive limb-girdle muscular dystrophy type 2J (LGMDR10). Also called: MUSCULAR DYSTROPHY, LIMB-GIRDLE, AUTOSOMAL RECESSIVE 10; Limb-girdle muscular dystrophy, type 2J. Identifiers: Orphanet 140922, MedGen C1837342, MONDO:0012127, OMIM 608807.
Dilated cardiomyopathy 1G (CMD1G). Identifiers: Orphanet 154, MedGen C1858763, MONDO:0011400, OMIM 604145.
Tibial muscular dystrophy (TMD). Also called: Tibial muscular dystrophy, tardive; Udd Distal Myopathy – Tibial Muscular Dystrophy; UDD MYOPATHY. Identifiers: Orphanet 609, MedGen C1838244, MONDO:0010870, OMIM 600334.
Myopathy, myofibrillar, 9, with early respiratory failure (MFM9). Also called: Myopathy, distal, with early respiratory failure, autosomal dominant; EDSTROM MYOPATHY; MYOPATHY, PROXIMAL, WITH EARLY RESPIRATORY MUSCLE INVOLVEMENT; Hereditary myopathy with early respiratory failure. Identifiers: Orphanet 178464, Orphanet 34521, MedGen C1863599, MONDO:0011362, OMIM 603689.
Early-onset myopathy with fatal cardiomyopathy (CMYO5). Also called: CONGENITAL MYOPATHY 5 WITH CARDIOMYOPATHY; Salih Myopathy. Identifiers: Orphanet 289377, MedGen C2673677, MONDO:0012714, OMIM 611705. Disease mechanism: loss of function.
Hypertrophic cardiomyopathy 9. Also called: Familial hypertrophic cardiomyopathy 9. Identifiers: MedGen C1861065, MONDO:0013412, OMIM 613765.

Allele frequency attached by ClinVar (database versions not stated): ExAC 0.00002; TOPMed 0.00002; ESP Exome Variant Server 0.00008.
gnomAD v4.1: 29 of 1,612,048 alleles (0.0018%); highest among the groups gnomAD compares: Middle Eastern, 0.016%; no homozygotes.

Submissions (6):

Revvity Omics, Revvity
Classification: Uncertain significance. Last evaluated: 2023-11-21. Review status: criteria provided, single submitter. Criteria: ACMG Guidelines, 2015. Collection method: clinical testing. Allele origin: germline.

New York Genome Center
Classification: Uncertain significance for Hypertrophic cardiomyopathy 9; Dilated cardiomyopathy 1G. Last evaluated: 2023-05-15. Review status: criteria provided, single submitter. Criteria: NYGC Assertion Criteria 2020. Collection method: clinical testing. Allele origin: germline. Observed: 1 heterozygote.

Fulgent Genetics
Classification: Uncertain significance for Tibial muscular dystrophy; Myopathy, myofibrillar, 9, with early respiratory failure; Dilated cardiomyopathy 1G; Autosomal recessive limb-girdle muscular dystrophy type 2J; Early-onset myopathy with fatal cardiomyopathy; Hypertrophic cardiomyopathy 9. Last evaluated: 2018-10-31. Review status: criteria provided, single submitter. Criteria: ACMG Guidelines, 2015. Collection method: clinical testing. Allele origin: unknown.

Labcorp Genetics (formerly Invitae), Labcorp
Classification: Uncertain significance for Dilated cardiomyopathy 1G; Autosomal recessive limb-girdle muscular dystrophy type 2J. Last evaluated: 2017-07-24. Review status: criteria provided, single submitter. Criteria: Invitae Variant Classification Sherloc (09022015). Collection method: clinical testing. Allele origin: germline.

Eurofins Ntd Llc (ga)
Classification: Uncertain significance. Last evaluated: 2017-04-03. Review status: criteria provided, single submitter. Criteria: EGL Classification Definitions 2015. Collection method: clinical testing. Allele origin: germline. Observed: 1 variant allele, 1 heterozygote.

Laboratory for Molecular Medicine, Mass General Brigham Personalized Medicine
Classification: Uncertain significance. Last evaluated: 2014-05-28. Review status: criteria provided, single submitter. Criteria: LMM Criteria. Collection method: clinical testing. Allele origin: germline. Observed: 1 variant allele.
Comment: The Ile14389Val variant in TTN has not been previously reported in individuals w ith cardiomyopathy, but has been identified in 1/8218 European American chromoso mes by the NHLBI Exome Sequencing Project (db SNP rs372013419). Isoleucine (Ile) at position 14389 is not well conserved in ev olution and 3 species (alligator, turtle, and lizard) carry a valine (Val) at th is position, raising the possibility that this change may be tolerated. In summa ry, the clinical significance of the Ile14389Val variant is uncertain.

NM_001267550.2(TTN):c.50869A>G (p.Ile16957Val)

Genes: TTN (titin; minus strand), TTN-AS1 (TTN antisense RNA 1; plus strand). Cytogenetic location: 2q31.2.
Variant type: single nucleotide variant.
Coding change: c.50869A>G on transcript NM_001267550.2 (MANE Select); coding-DNA position 50869, A replaced by G.
Protein change: p.Ile16957Val; replaces isoleucine 16957 with valine.
Molecular consequence: missense variant.
Genome position (GRCh38, 1-based): chr2:178,611,260, T>C on the plus strand (A>G on the coding strand, the complement: TTN is on the minus strand). VCF-style: chr2-178611260-T-C. GRCh37 (hg19) VCF-style: chr2-179475987-T-C.
Other names: c.43165A>G, p.Ile14389Val (NM_133378.4); c.45946A>G, p.Ile15316Val (NM_001256850.1); c.23674A>G, p.Ile7892Val (NM_003319.4); c.24049A>G, p.Ile8017Val (NM_133432.3); c.24250A>G, p.Ile8084Val (NM_133437.4); short protein forms I14389V, I16957V, I8017V, I8084V, I15316V, I7892V.
Identifiers: ClinVar variation 178207 (VCV000178207.16), dbSNP rs372013419, ClinGen allele CA181781.